The following is an entry in ClinVar:

ClinVar aggregate classification (germline): Uncertain significance (1 of 4 stars; one submission).

Submission:

Labcorp Genetics (formerly Invitae), Labcorp
Classification: Uncertain significance. Last evaluated: 2022-02-24. Review status: criteria provided, single submitter. Criteria: Invitae Variant Classification Sherloc (09022015). Collection method: clinical testing. Allele origin: germline.
Comment: This variant, c.3961_3963del, results in the deletion of 1 amino acid(s) of the APC2 protein (p.Arg1321del), but otherwise preserves the integrity of the reading frame. This variant is not present in population databases (gnomAD no frequency). In summary, the available evidence is currently insufficient to determine the role of this variant in disease. Therefore, it has been classified as a Variant of Uncertain Significance. Experimental studies and prediction algorithms are not available or were not evaluated, and the functional significance of this variant is currently unknown. This variant has not been reported in the literature in individuals affected with APC2-related conditions.

NM_005883.3(APC2):c.3955CGG[2] (p.Arg1321del)

Gene: APC2 (APC regulator of Wnt signaling pathway 2; plus strand). Cytogenetic location: 19p13.3.
Variant type: Microsatellite.
Coding change: c.3955CGG[2] on transcript NM_005883.3 (MANE Select); two copies in a row of the 3-base unit CGG starting at c.3955; the reference has three copies in a row; one copy, 3 bases deleted.
Protein change: p.Arg1321del; deletes arginine 1321.
Molecular consequence: inframe deletion.
Genome position (GRCh38, 1-based): chr19:1,467,262-1,467,264, CGG deleted; deleting any 3 consecutive bases within chr19:1,467,256-1,467,264 gives the same sequence; the position shown is the placement nearest the transcript's 3' end. VCF-style (leftmost placement, unchanged base first): chr19-1467255-CCGG-C. GRCh37 (hg19) VCF-style: chr19-1467254-CCGG-C.
Other names: c.3952CGG[2], p.Arg1320del (NM_001351273.1); short protein forms R1320del, R1321del.
Identifiers: ClinVar variation 2065847 (VCV002065847.4), dbSNP rs2512527589, ClinGen allele CA2580613018.